The following is an entry in ClinVar:

ClinVar aggregate classification (germline): Uncertain significance. Review status: criteria provided, multiple submitters, no conflicts (2 of 4 stars). 2 submissions from 2 submitters: Uncertain significance (2). Last evaluated 2026-02-10.

Conditions:
Hereditary cancer-predisposing syndrome. Also called: Tumor predisposition; Hereditary Cancer Syndrome; Neoplastic Syndromes, Hereditary; Hereditary neoplastic syndrome. Identifiers: Orphanet 140162, MedGen C0027672, MeSH D009386, MONDO:0015356.

Submissions (2):

Ambry Genetics
Classification: Uncertain significance for Hereditary cancer-predisposing syndrome. Last evaluated: 2026-02-10. Review status: criteria provided, single submitter. Criteria: Ambry Variant Classification Scheme 2023. Collection method: clinical testing. Allele origin: germline.
Comment: The c.260+5C>A intronic variant results from a C to A substitution 5 nucleotides after coding exon 1 in the MSH6 gene. This nucleotide position is well conserved in available vertebrate species. In silico splice site analysis predicts that this alteration will not have any significant effect on splicing. Based on the available evidence, the clinical significance of this variant remains unclear.

Color Diagnostics, LLC DBA Color Health
Classification: Uncertain significance for Hereditary cancer-predisposing syndrome. Last evaluated: 2019-03-15. Review status: criteria provided, single submitter. Criteria: ACMG Guidelines, 2015. Collection method: clinical testing. Allele origin: germline.

NM_000179.3(MSH6):c.260+5C>A

Genes: MSH6 (mutS homolog 6; plus strand), LOC129933707 (ATAC-STARR-seq lymphoblastoid silent region 11468; plus strand). Cytogenetic location: 2p16.3.
Variant type: single nucleotide variant.
Coding change: c.260+5C>A on transcript NM_000179.3 (MANE Select); 5 bases into the intron after coding-DNA position 260, C replaced by A.
Molecular consequence: intron variant.
Genome position (GRCh38, 1-based): chr2:47,783,498, C>A. VCF-style: chr2-47783498-C-A. GRCh37 (hg19) VCF-style: chr2-48010637-C-A.
Other names: c.-477+5C>A (NM_001281493.2); c.237+28C>A (NM_001281492.2).
Identifiers: ClinVar variation 485883 (VCV000485883.8), dbSNP rs1440012800, ClinGen allele CA658655661.
Genomic context (GRCh38, chr2:47,783,498, plus strand): 5'-GCGAAGAACCTCAACGGAGGGCTGCGGAGATCGGTAGCGCCTGCTGCCCCCACCAGGTAG[C>A]GGGGTGGGGGTGGGGTCGAAGGCGGGGGCATAGCGGCGGGGCGCTTGGAACCCGGCGAGG-3'